The following is an entry in ClinVar:

ClinVar aggregate classification (germline): Pathogenic/Likely pathogenic. Review status: criteria provided, multiple submitters, no conflicts (2 of 4 stars). 3 submissions from 3 submitters: Pathogenic (1); Likely pathogenic (2). Last evaluated 2025-02-10.

Conditions:
Galactosemia. Also called: Galactose intolerance. Identifiers: Orphanet 352, MedGen C0016952, MONDO:0018116, HP:0004919. Disease mechanism: loss of function.
GALT-related disorder. Also called: GALT-related condition.

Submissions (3):

Mayo Clinic Laboratories, Mayo Clinic
Classification: Pathogenic. Last evaluated: 2025-02-10. Review status: criteria provided, single submitter. Criteria: ACMG Guidelines, 2015. Collection method: clinical testing. Allele origin: germline. Observed: 1 variant allele.
Comment: PP4, PM2_supporting, PVS1

Natera, Inc.
Classification: Likely pathogenic for Galactosemia. Last evaluated: 2024-12-01. Review status: criteria provided, single submitter. Criteria: Natera Variant Classification Schema (03/2026). Collection method: clinical testing. Allele origin: germline.
Comment: The c.820+1G>C variant in GALT is a canonical splice donor site variant predicted to affect pre-mRNA splicing, which may result in an abnormal transcript and altered protein product. This variant is expected to result in nonsense mediated decay, truncation, or a dysfunctional protein product. This variant is rare in the general population with a frequency below the threshold expected for the associated phenotype(s). Given the available evidence, this variant is classified as Likely Pathogenic.

Blueprint Genetics
Classification: Likely pathogenic for GALT-related disorders. Last evaluated: 2023-07-24. Review status: criteria provided, single submitter. Criteria: ACMG Guidelines, 2015. Collection method: clinical testing. Allele origin: germline. Affected: yes. Observed: 1 variant allele.

NM_000155.4(GALT):c.820+1G>C

Gene: GALT (galactose-1-phosphate uridylyltransferase; plus strand). Cytogenetic location: 9p13.3.
Variant type: single nucleotide variant.
Coding change: c.820+1G>C on transcript NM_000155.4 (MANE Select); the canonical splice donor site of the intron after coding-DNA position 820, G replaced by C.
Molecular consequence: splice donor variant.
Genome position (GRCh38, 1-based): chr9:34,648,895, G>C. VCF-style: chr9-34648895-G-C. GRCh37 (hg19) VCF-style: chr9-34648892-G-C.
Other names: c.820+1G>C (NM_000155.3); c.493+1G>C (NM_001258332.2).
Identifiers: ClinVar variation 4541439 (VCV004541439.3).